The following is an entry in ClinVar:

ClinVar aggregate classification (germline): Benign (0 of 4 stars; one submission).

Conditions:
BRD2-related disorder. Also called: BRD2-related condition.

Allele frequency attached by ClinVar (database versions not stated): ExAC 0.60974; TOPMed 0.63602; gnomAD 0.63659; 1000 Genomes Project 0.60923; 1000 Genomes Project 30x 0.60946; ESP Exome Variant Server 0.66173.
gnomAD v4.1: 943,817 of 1,594,642 alleles (59%); highest among the groups gnomAD compares: African/African-American, 78%; 281,995 homozygotes.

Submission:

PreventionGenetics, part of Exact Sciences
Classification: Benign for BRD2-related condition. Last evaluated: 2019-10-17. Review status: no assertion criteria provided. Collection method: clinical testing. Allele origin: germline.
Comment: This variant is classified as benign based on ACMG/AMP sequence variant interpretation guidelines (Richards et al. 2015 PMID: 25741868, with internal and published modifications).

NM_005104.4(BRD2):c.334-10T>C

Gene: BRD2 (bromodomain containing 2; plus strand). Cytogenetic location: 6p21.32.
Variant type: single nucleotide variant.
Coding change: c.334-10T>C on transcript NM_005104.4 (MANE Select); 10 bases into the intron before coding-DNA position 334, T replaced by C.
Molecular consequence: intron variant.
Genome position (GRCh38, 1-based): chr6:32,975,374, T>C. VCF-style: chr6-32975374-T-C. GRCh37 (hg19) VCF-style: chr6-32943151-T-C.
Other names: c.-27-10T>C (NM_001291986.2); c.334-10T>C (NM_001113182.3, NM_001199455.1); c.193-10T>C (NM_001199456.2).
Identifiers: ClinVar variation 3060819 (VCV003060819.2), dbSNP rs635688, ClinGen allele CA3748144.
Genomic context (GRCh38, chr6:32,975,374, plus strand): 5'-GTCGGGGATCGGTAGTCTCCCTATAAGCATTTATTTTTCTGTGGTTCTGACCTAACATTT[T>C]TTTATTTAGGATTATCACAAAATTATAAAACAGCCTATGGACATGGGTACTATTAAGAGG-3'